The following is an entry in ClinVar:

ClinVar aggregate classification (germline): Uncertain significance (1 of 4 stars; one submission).

Conditions:
Neurofibromatosis, type 1 (NF1). Also called: VON RECKLINGHAUSEN DISEASE; NEUROFIBROMATOSIS, TYPE I, SOMATIC; Peripheral type neurofibromatosis; Neurofibromatosis, type I. Identifiers: Orphanet 636, MedGen C0027831, MONDO:0018975, OMIM 162200. Disease mechanism: loss of function.

Allele frequency attached by ClinVar (database versions not stated): gnomAD exomes below 0.00001.
gnomAD v4.1: 1 of 1,613,808 alleles (0.000062%); highest among the groups gnomAD compares: Non-Finnish European, 0.000085%; no homozygotes.

Submission:

Labcorp Genetics (formerly Invitae), Labcorp
Classification: Uncertain significance for Neurofibromatosis, type 1. Last evaluated: 2023-02-01. Review status: criteria provided, single submitter. Criteria: Invitae Variant Classification Sherloc (09022015). Collection method: clinical testing. Allele origin: germline.
Comment: In summary, the available evidence is currently insufficient to determine the role of this variant in disease. Therefore, it has been classified as a Variant of Uncertain Significance. Algorithms developed to predict the effect of missense changes on protein structure and function are either unavailable or do not agree on the potential impact of this missense change (SIFT: "Tolerated"; PolyPhen-2: "Probably Damaging"; Align-GVGD: "Class C0"). ClinVar contains an entry for this variant (Variation ID: 657078). This variant has not been reported in the literature in individuals affected with NF1-related conditions. This variant is not present in population databases (gnomAD no frequency). This sequence change replaces phenylalanine, which is neutral and non-polar, with cysteine, which is neutral and slightly polar, at codon 1457 of the NF1 protein (p.Phe1457Cys).

NM_001042492.3(NF1):c.4433T>G (p.Phe1478Cys)

Gene: NF1 (neurofibromin 1; plus strand). Cytogenetic location: 17q11.2.
Variant type: single nucleotide variant.
Coding change: c.4433T>G on transcript NM_001042492.3 (MANE Select); coding-DNA position 4433, T replaced by G.
Protein change: p.Phe1478Cys; replaces phenylalanine 1478 with cysteine.
Molecular consequence: missense variant.
Genome position (GRCh38, 1-based): chr17:31,260,371, T>G. VCF-style: chr17-31260371-T-G. GRCh37 (hg19) VCF-style: chr17-29587389-T-G.
Other names: c.4370T>G, p.Phe1457Cys (NM_000267.4); short protein forms F1478C, F1457C.
Identifiers: ClinVar variation 657078 (VCV000657078.5), dbSNP rs1597746900, ClinGen allele CA398999134.
Genomic context (GRCh38, chr17:31,260,371, plus strand): 5'-AAACATAAGTCTGGGTGTATCTGGTGTTGAAAATTCTAATGACTTTGCATTTTTGAAGGT[T>G]TTTCCTTGATATAGCATCTGATTGTCCTACAAGTGATGCAGTAAATCATAGTCTTTCCTT-3'
Protein context (NP_001035957.1, residues 1468-1488): VKSNFDAARR[Phe1478Cys]FLDIASDCPT